The following is an entry in ClinVar:

NM_003611.3(OFD1):c.1490A>C (p.His497Pro)

Gene: OFD1 (OFD1 centriole and centriolar satellite protein; plus strand). Cytogenetic location: Xp22.2.
Variant type: single nucleotide variant.
Coding change: c.1490A>C on transcript NM_003611.3 (MANE Select); coding-DNA position 1490, A replaced by C.
Protein change: p.His497Pro; replaces histidine 497 with proline.
Molecular consequence: missense variant.
Genome position (GRCh38, 1-based): chrX:13,757,738, A>C. VCF-style: chrX-13757738-A-C. GRCh37 (hg19) VCF-style: chrX-13775857-A-C.
Other names: c.1370A>C, p.His457Pro (NM_001330209.2); c.1070A>C, p.His357Pro (NM_001330210.2); c.1490A>C (NM_003611.2); short protein forms H497P, H357P, H457P.
Identifiers: ClinVar variation 1417509 (VCV001417509.9), dbSNP rs772474080, ClinGen allele CA10351829.
Genomic context (GRCh38, chrX:13,757,738, plus strand): 5'-CTGAACTTGCAGTCTTTCAGAAAGAACTACGGAAAGCCGAAAAGGCTATAGTGGTTGAGC[A>C]TGAGGAGTTCGAAAGCTGCAGGCAAGCTCTGCACAAACAACTGCAAGACGAAGTGAGTAT-3'
Protein context (NP_003602.1, residues 487-507): RKAEKAIVVE[His497Pro]EEFESCRQAL

ClinVar aggregate classification (germline): Conflicting classifications of pathogenicity. Review status: criteria provided, conflicting classifications (1 of 4 stars). 4 submissions from 4 submitters: Uncertain significance (3); Likely benign (1). Last evaluated 2024-12-25.

Conditions:
Joubert syndrome 10 (JBTS10). Identifiers: Orphanet 2754, MedGen C2749019, MONDO:0010431, OMIM 300804.
Orofaciodigital syndrome I (OFD1). Also called: Papillon-Leage and Psaume Syndrome; Oral-Facial-Digital Syndrome Type I; OFDS I. Identifiers: Orphanet 2750, MedGen C1510460, MONDO:0010702, OMIM 311200.
Retinitis pigmentosa 23 (RP23). Identifiers: Orphanet 791, MedGen C1419610, MONDO:0010320, OMIM 300424.
Simpson-Golabi-Behmel syndrome type 2. Identifiers: Orphanet 79022, MedGen C1846175, MONDO:0010265, OMIM 300209.
Primary ciliary dyskinesia. Also called: Ciliary dyskinesia. Identifiers: Orphanet 244, MedGen C0008780, MONDO:0016575, HP:0012265.
Joubert syndrome. Also called: Familial aplasia of the vermis; JOUBERT-BOLTSHAUSER SYNDROME. Identifiers: Orphanet 475, MedGen C5979921, MONDO:0018772.

Allele frequency attached by ClinVar (database versions not stated): ExAC 0.00002; gnomAD exomes 0.00004.
gnomAD v4.1: 24 of 1,211,174 alleles (0.002%); highest among the groups gnomAD compares: Non-Finnish European, 0.0023%; no homozygotes.

Submissions (4):

Labcorp Genetics (formerly Invitae), Labcorp
Classification: Uncertain significance for Orofaciodigital syndrome I; Joubert syndrome. Last evaluated: 2024-12-25. Review status: criteria provided, single submitter. Criteria: Invitae Variant Classification Sherloc (09022015). Collection method: clinical testing. Allele origin: germline.
Comment: This sequence change replaces histidine, which is basic and polar, with proline, which is neutral and non-polar, at codon 497 of the OFD1 protein (p.His497Pro). This variant is present in population databases (rs772474080, gnomAD 0.006%). This variant has not been reported in the literature in individuals affected with OFD1-related conditions. ClinVar contains an entry for this variant (Variation ID: 1417509). Invitae Evidence Modeling of protein sequence and biophysical properties (such as structural, functional, and spatial information, amino acid conservation, physicochemical variation, residue mobility, and thermodynamic stability) has been performed for this missense variant. However, the output from this modeling did not meet the statistical confidence thresholds required to predict the impact of this variant on OFD1 protein function. In summary, the available evidence is currently insufficient to determine the role of this variant in disease. Therefore, it has been classified as a Variant of Uncertain Significance.

Blueprint Genetics
Classification: Likely benign. Last evaluated: 2022-10-20. Review status: criteria provided, single submitter. Criteria: ACMG Guidelines, 2015. Collection method: clinical testing. Allele origin: germline.

Fulgent Genetics
Classification: Uncertain significance for Simpson-Golabi-Behmel syndrome type 2; Retinitis pigmentosa 23; Joubert syndrome 10; Orofaciodigital syndrome I. Last evaluated: 2022-05-28. Review status: criteria provided, single submitter. Criteria: ACMG Guidelines, 2015. Collection method: clinical testing. Allele origin: unknown.

Ambry Genetics
Classification: Uncertain significance for Primary ciliary dyskinesia. Last evaluated: 2021-08-02. Review status: criteria provided, single submitter. Criteria: Ambry Variant Classification Scheme 2023. Collection method: clinical testing. Allele origin: germline.